The following is an entry in ClinVar:

ClinVar aggregate classification (germline): Uncertain significance (1 of 4 stars; one submission).

gnomAD v4.1: 5 of 1,565,734 alleles (0.00032%); highest among the groups gnomAD compares: Non-Finnish European, 0.00035%; no homozygotes.

Submission:

Labcorp Genetics (formerly Invitae), Labcorp
Classification: Uncertain significance. Last evaluated: 2024-11-30. Review status: criteria provided, single submitter. Criteria: Invitae Variant Classification Sherloc (09022015). Collection method: clinical testing. Allele origin: germline.
Comment: This sequence change replaces glutamic acid, which is acidic and polar, with lysine, which is basic and polar, at codon 663 of the KMT2B protein (p.Glu663Lys). The frequency data for this variant in the population databases is considered unreliable, as metrics indicate poor data quality at this position in the gnomAD database. This missense change has been observed in individual(s) with autism and/or developmental delay (PMID: 33057194, 35982159). Invitae Evidence Modeling of protein sequence and biophysical properties (such as structural, functional, and spatial information, amino acid conservation, physicochemical variation, residue mobility, and thermodynamic stability) indicates that this missense variant is not expected to disrupt KMT2B protein function with a negative predictive value of 80%. In summary, the available evidence is currently insufficient to determine the role of this variant in disease. Therefore, it has been classified as a Variant of Uncertain Significance.

Literature cited by the submitters: PubMed 33057194; PubMed 35982159.

NM_014727.3(KMT2B):c.1987G>A (p.Glu663Lys)

Gene: KMT2B (lysine methyltransferase 2B; plus strand). Cytogenetic location: 19q13.12.
Variant type: single nucleotide variant.
Coding change: c.1987G>A on transcript NM_014727.3 (MANE Select); coding-DNA position 1987, G replaced by A.
Protein change: p.Glu663Lys; replaces glutamic acid 663 with lysine.
Molecular consequence: missense variant.
Genome position (GRCh38, 1-based): chr19:35,721,334, G>A. VCF-style: chr19-35721334-G-A. GRCh37 (hg19) VCF-style: chr19-36212236-G-A.
Other names: short protein forms E663K.
Identifiers: ClinVar variation 3614613 (VCV003614613.2).